The following is an entry in ClinVar:

NM_017909.4(RMND1):c.68G>A (p.Arg23Gln)

Gene: RMND1 (required for meiotic nuclear division 1 homolog; minus strand). Cytogenetic location: 6q25.1.
Variant type: single nucleotide variant.
Coding change: c.68G>A on transcript NM_017909.4 (MANE Select); coding-DNA position 68, G replaced by A.
Protein change: p.Arg23Gln; replaces arginine 23 with glutamine.
Molecular consequence: missense variant. On other transcripts: intron variant (1).
Genome position (GRCh38, 1-based): chr6:151,445,744, C>T on the plus strand (G>A on the coding strand, the complement: RMND1 is on the minus strand). VCF-style: chr6-151445744-C-T. GRCh37 (hg19) VCF-style: chr6-151766879-C-T.
Other names: c.-7+6272G>A (NM_001271937.2); c.68G>A (NM_017909.2); short protein forms R23Q.
Identifiers: ClinVar variation 1372631 (VCV001372631.8), dbSNP rs377114459, ClinGen allele CA4051106.

ClinVar aggregate classification (germline): Conflicting classifications of pathogenicity. Review status: criteria provided, conflicting classifications (1 of 4 stars). 3 submissions from 3 submitters: Uncertain significance (2); Likely benign (1). Last evaluated 2025-06-24.

Conditions:
Inborn genetic diseases. Identifiers: MedGen C0950123, MeSH D030342.
Combined oxidative phosphorylation defect type 11. Also called: ENCEPHALONEUROMYOPATHY, INFANTILE, DUE TO MITOCHONDRIAL TRANSLATION DEFECT; Combined oxidative phosphorylation deficiency 11. Identifiers: Orphanet 324535, MedGen C5190991, MONDO:0013969, OMIM 614922.

Allele frequency attached by ClinVar (database versions not stated): gnomAD exomes 0.00001; ExAC 0.00002; gnomAD 0.00003 and 0.00004; TOPMed 0.00006; ESP Exome Variant Server 0.00015.
gnomAD v4.1: 22 of 1,613,720 alleles (0.0014%); highest among the groups gnomAD compares: African/African-American, 0.013%; no homozygotes.

Submissions (3):

Ambry Genetics
Classification: Likely benign for Inborn genetic diseases. Last evaluated: 2025-06-24. Review status: criteria provided, single submitter. Criteria: Ambry Variant Classification Scheme 2023. Collection method: clinical testing. Allele origin: germline.

Fulgent Genetics
Classification: Uncertain significance for Combined oxidative phosphorylation defect type 11. Last evaluated: 2022-04-22. Review status: criteria provided, single submitter. Criteria: ACMG Guidelines, 2015. Collection method: clinical testing. Allele origin: unknown.

Labcorp Genetics (formerly Invitae), Labcorp
Classification: Uncertain significance. Last evaluated: 2021-08-05. Review status: criteria provided, single submitter. Criteria: Invitae Variant Classification Sherloc (09022015). Collection method: clinical testing. Allele origin: germline.
Comment: This sequence change replaces arginine with glutamine at codon 23 of the RMND1 protein (p.Arg23Gln). The arginine residue is weakly conserved and there is a small physicochemical difference between arginine and glutamine. This variant is present in population databases (rs377114459, ExAC 0.02%). This variant has not been reported in the literature in individuals affected with RMND1-related conditions. Algorithms developed to predict the effect of missense changes on protein structure and function output the following: SIFT: "Tolerated"; PolyPhen-2: "Benign"; Align-GVGD: "Class C0". The glutamine amino acid residue is found in multiple mammalian species, which suggests that this missense change does not adversely affect protein function. In summary, the available evidence is currently insufficient to determine the role of this variant in disease. Therefore, it has been classified as a Variant of Uncertain Significance.